The following is an entry in ClinVar:

ClinVar aggregate classification (germline): Uncertain significance. Review status: criteria provided, multiple submitters, no conflicts (2 of 4 stars). 3 submissions from 3 submitters: Uncertain significance (2). 1 of the submissions does not count toward it. Last evaluated 2023-10-03.

Conditions:
Glycogen storage disease, type II (IOPD). Also called: CARDIOMEGALIA GLYCOGENICA DIFFUSA; GLYCOGENOSIS, GENERALIZED, CARDIAC FORM; GSD II; Glycogen storage disease type 2; Acid maltase deficiency disease; Aglucosidase alfa. Identifiers: Orphanet 365, MedGen C0017921, MONDO:0009290, OMIM 232300.

Allele frequency attached by ClinVar (database versions not stated): gnomAD 0.00001; TOPMed 0.00002.

Submissions (3):

Labcorp Genetics (formerly Invitae), Labcorp
Classification: Uncertain significance for Glycogen storage disease, type II. Last evaluated: 2023-10-03. Review status: criteria provided, single submitter. Criteria: Invitae Variant Classification Sherloc (09022015). Collection method: clinical testing. Allele origin: germline.
Comment: This sequence change replaces valine, which is neutral and non-polar, with methionine, which is neutral and non-polar, at codon 171 of the GAA protein (p.Val171Met). This variant is present in population databases (no rsID available, gnomAD 0.007%). This variant has not been reported in the literature in individuals affected with GAA-related conditions. ClinVar contains an entry for this variant (Variation ID: 325779). Algorithms developed to predict the effect of missense changes on protein structure and function output the following: SIFT: "Not Available"; PolyPhen-2: "Benign"; Align-GVGD: "Not Available". The methionine amino acid residue is found in multiple mammalian species, which suggests that this missense change does not adversely affect protein function. In summary, the available evidence is currently insufficient to determine the role of this variant in disease. Therefore, it has been classified as a Variant of Uncertain Significance.

Genome-Nilou Lab
Classification: Uncertain significance for Glycogen storage disease, type II. Last evaluated: 2021-09-05. Review status: criteria provided, single submitter. Criteria: ACMG Guidelines, 2015. Collection method: clinical testing. Allele origin: germline. Affected: no.

Natera, Inc.
Classification: Uncertain significance for Glycogen storage disease type II. Last evaluated: 2020-09-16. Review status: no assertion criteria provided. Collection method: clinical testing. Allele origin: germline. Not counted in ClinVar's aggregate classification.

NM_000152.5(GAA):c.511G>A (p.Val171Met)

Gene: GAA (alpha glucosidase; plus strand). Cytogenetic location: 17q25.3.
Variant type: single nucleotide variant.
Coding change: c.511G>A on transcript NM_000152.5 (MANE Select); coding-DNA position 511, G replaced by A.
Protein change: p.Val171Met; replaces valine 171 with methionine.
Molecular consequence: missense variant.
Genome position (GRCh38, 1-based): chr17:80,105,097, G>A. VCF-style: chr17-80105097-G-A. GRCh37 (hg19) VCF-style: chr17-78078896-G-A.
Other names: c.511G>A (LRG_673t1); c.511G>A, p.Val171Met (NM_001079803.3, NM_001079804.3); short protein forms V171M.
Identifiers: ClinVar variation 325779 (VCV000325779.12), dbSNP rs886053543, ClinGen allele CA10651252.